The following is an entry in ClinVar:

NM_024642.5(GALNT12):c.544C>T (p.His182Tyr)

Gene: GALNT12 (polypeptide N-acetylgalactosaminyltransferase 12; plus strand). Cytogenetic location: 9q22.33.
Variant type: single nucleotide variant.
Coding change: c.544C>T on transcript NM_024642.5 (MANE Select); coding-DNA position 544, C replaced by T.
Protein change: p.His182Tyr; replaces histidine 182 with tyrosine.
Molecular consequence: missense variant.
Genome position (GRCh38, 1-based): chr9:98,826,754, C>T. VCF-style: chr9-98826754-C-T. GRCh37 (hg19) VCF-style: chr9-101589036-C-T.
Other names: short protein forms H182Y.
Identifiers: ClinVar variation 1043544 (VCV001043544.12), dbSNP rs1835864292, ClinGen allele CA374217232.

ClinVar aggregate classification (germline): Uncertain significance. Review status: criteria provided, multiple submitters, no conflicts (2 of 4 stars). 2 submissions from 2 submitters: Uncertain significance (2). Last evaluated 2024-07-11.

Allele frequency attached by ClinVar (database versions not stated): gnomAD exomes below 0.00001.
gnomAD v4.1: 3 of 1,610,748 alleles (0.00019%); highest among the groups gnomAD compares: Admixed American, 0.0017%; no homozygotes.

Submissions (2):

Ambry Genetics
Classification: Uncertain significance. Last evaluated: 2024-07-11. Review status: criteria provided, single submitter. Criteria: Ambry Variant Classification Scheme 2023. Collection method: clinical testing. Allele origin: germline.
Comment: The p.H182Y variant (also known as c.544C>T), located in coding exon 3 of the GALNT12 gene, results from a C to T substitution at nucleotide position 544. The histidine at codon 182 is replaced by tyrosine, an amino acid with similar properties. This amino acid position is highly conserved in available vertebrate species. In addition, the in silico prediction for this alteration is inconclusive. Since supporting evidence is limited at this time, the clinical significance of this alteration remains unclear.

Labcorp Genetics (formerly Invitae), Labcorp
Classification: Uncertain significance. Last evaluated: 2020-09-23. Review status: criteria provided, single submitter. Criteria: Invitae Variant Classification Sherloc (09022015). Collection method: clinical testing. Allele origin: germline.
Comment: This variant has not been reported in the literature in individuals with GALNT12-related conditions. In summary, the available evidence is currently insufficient to determine the role of this variant in disease. Therefore, it has been classified as a Variant of Uncertain Significance. Algorithms developed to predict the effect of missense changes on protein structure and function are either unavailable or do not agree on the potential impact of this missense change (SIFT: "Deleterious"; PolyPhen-2: "Benign"; Align-GVGD: "Class C0"). This variant is not present in population databases (ExAC no frequency). This sequence change replaces histidine with tyrosine at codon 182 of the GALNT12 protein (p.His182Tyr). The histidine residue is highly conserved and there is a moderate physicochemical difference between histidine and tyrosine.